The following is an entry in ClinVar:

NM_015602.4(TOR1AIP1):c.7G>A (p.Gly3Ser)

Genes: TOR1AIP1 (torsin 1A interacting protein 1; plus strand), LOC112577517 (Sharpr-MPRA regulatory region 13766; plus strand). Cytogenetic location: 1q25.2.
Variant type: single nucleotide variant.
Coding change: c.7G>A on transcript NM_015602.4 (MANE Select); coding-DNA position 7, G replaced by A.
Protein change: p.Gly3Ser; replaces glycine 3 with serine.
Molecular consequence: missense variant.
Genome position (GRCh38, 1-based): chr1:179,882,509, G>A. VCF-style: chr1-179882509-G-A. GRCh37 (hg19) VCF-style: chr1-179851644-G-A.
Other names: c.7G>A (NM_001267578.1); c.7G>A, p.Gly3Ser (NM_001267578.2); short protein forms G3S.
Identifiers: ClinVar variation 2057303 (VCV002057303.6), dbSNP rs763660412, ClinGen allele CA1268618.
Genomic context (GRCh38, chr1:179,882,509, plus strand): 5'-AACCTAGGGTCCATAAAGCCATCTTCGCGATCGACTAAAGCTACGTCAACAACTATGGCG[G>A]GCGACGGGCGGCGGGCAGAGGCGGTGCGGGAAGGATGGGGTGTGTACGTCACCCCCAGGG-3'
Protein context (NP_056417.2, residues 1-13): MA[Gly3Ser]DGRRAEAVRE

ClinVar aggregate classification (germline): Uncertain significance. Review status: criteria provided, multiple submitters, no conflicts (2 of 4 stars). 3 submissions from 3 submitters: Uncertain significance (3). Last evaluated 2024-10-18.

Conditions:
Autosomal recessive limb-girdle muscular dystrophy type 2Y (MRRSDC). Also called: Muscular dystrophy, autosomal recessive, with rigid spine and distal joint contractures; Muscular dystrophy, limb-girdle, type 2y. Identifiers: Orphanet 424261, MedGen C4511482, MONDO:0014900, OMIM 617072.

Allele frequency attached by ClinVar (database versions not stated): gnomAD exomes below 0.00001; TOPMed 0.00002; ExAC 0.00028.
gnomAD v4.1: 2 of 1,455,062 alleles (0.00014%); highest among the groups gnomAD compares: Admixed American, 0.0057%; no homozygotes.

Submissions (3):

Labcorp Genetics (formerly Invitae), Labcorp
Classification: Uncertain significance for Autosomal recessive limb-girdle muscular dystrophy type 2Y. Last evaluated: 2024-10-18. Review status: criteria provided, single submitter. Criteria: Invitae Variant Classification Sherloc (09022015). Collection method: clinical testing. Allele origin: germline.
Comment: This sequence change replaces glycine, which is neutral and non-polar, with serine, which is neutral and polar, at codon 3 of the TOR1AIP1 protein (p.Gly3Ser). This variant is present in population databases (rs763660412, gnomAD 0.02%). This variant has not been reported in the literature in individuals affected with TOR1AIP1-related conditions. ClinVar contains an entry for this variant (Variation ID: 2057303). An algorithm developed to predict the effect of missense changes on protein structure and function (PolyPhen-2) suggests that this variant is likely to be disruptive. In summary, the available evidence is currently insufficient to determine the role of this variant in disease. Therefore, it has been classified as a Variant of Uncertain Significance.

Genome-Nilou Lab
Classification: Uncertain significance for Autosomal recessive limb-girdle muscular dystrophy type 2Y. Last evaluated: 2023-04-11. Review status: criteria provided, single submitter. Criteria: ACMG Guidelines, 2015. Collection method: clinical testing. Allele origin: germline. Affected: no.

Revvity Omics, Revvity
Classification: Uncertain significance. Last evaluated: 2019-12-03. Review status: criteria provided, single submitter. Criteria: ACMG Guidelines, 2015. Collection method: clinical testing. Allele origin: germline.